The following is an entry in ClinVar:

ClinVar aggregate classification (germline): Uncertain significance. Review status: criteria provided, multiple submitters, no conflicts (2 of 4 stars). 2 submissions from 2 submitters: Uncertain significance (2). Last evaluated 2024-03-06.

Conditions:
Cardiomyopathy (CMYO). Also called: Cardiomyopathies. Identifiers: Orphanet 167848, MedGen C0878544, MONDO:0004994, HP:0001638. Inheritance: Various modes of inheritance.
Catecholaminergic polymorphic ventricular tachycardia (CVPT). Also called: Catecholamine-induced polymorphic ventricular tachycardia. Identifiers: Orphanet 3286, MedGen C5574922, MONDO:0017990.

Submissions (2):

Color Diagnostics, LLC DBA Color Health
Classification: Uncertain significance for Cardiomyopathy. Last evaluated: 2024-03-06. Review status: criteria provided, single submitter. Criteria: ACMG Guidelines, 2015. Collection method: clinical testing. Allele origin: germline.
Comment: This missense variant replaces serine with phenylalanine at codon 1609 of the RYR2 protein. Computational prediction suggests that this variant may not impact protein structure and function (internally defined REVEL score threshold <= 0.5, PMID: 27666373). To our knowledge, functional studies have not been reported for this variant. This variant has not been reported in individuals affected with RYR2-related disorders in the literature. This variant has not been identified in the general population by the Genome Aggregation Database (gnomAD). The available evidence is insufficient to determine the role of this variant in disease conclusively. Therefore, this variant is classified as a Variant of Uncertain Significance.

All of Us Research Program, National Institutes of Health
Classification: Uncertain significance for Catecholaminergic polymorphic ventricular tachycardia. Last evaluated: 2023-12-13. Review status: criteria provided, single submitter. Criteria: ACMG Guidelines, 2015. Collection method: clinical testing. Allele origin: germline. Inheritance: Autosomal dominant inheritance. Observed: 2 variant alleles, 2 heterozygotes.
Comment: This missense variant replaces serine with phenylalanine at codon 1609 of the RYR2 protein. Computational prediction suggests that this variant may not impact protein structure and function (internally defined REVEL score threshold <= 0.5, PMID: 27666373). To our knowledge, functional studies have not been reported for this variant. This variant has not been reported in individuals affected with cardiovascular disorders in the literature. This variant has not been identified in the general population by the Genome Aggregation Database (gnomAD). The available evidence is insufficient to determine the role of this variant in disease conclusively. Therefore, this variant is classified as a Variant of Uncertain Significance.

This study involves interpretation of variants in research participants for the purpose of population health screening. Participant phenotype was not available at the time of variant classification. Additional details can be found in publication PMID: 35346344, PMCID: PMC8962531

NM_001035.3(RYR2):c.4826C>T (p.Ser1609Phe)

Gene: RYR2 (ryanodine receptor 2; plus strand). Cytogenetic location: 1q43.
Variant type: single nucleotide variant.
Coding change: c.4826C>T on transcript NM_001035.3 (MANE Select); coding-DNA position 4826, C replaced by T.
Protein change: p.Ser1609Phe; replaces serine 1609 with phenylalanine.
Molecular consequence: missense variant.
Genome position (GRCh38, 1-based): chr1:237,610,904, C>T. VCF-style: chr1-237610904-C-T. GRCh37 (hg19) VCF-style: chr1-237774204-C-T.
Other names: short protein forms S1609F.
Identifiers: ClinVar variation 926918 (VCV000926918.6), dbSNP rs1677781028, ClinGen allele CA345402713.
Genomic context (GRCh38, chr1:237,610,904, plus strand): 5'-AGTTCCTGTCACACGTCCTGTGGAGCAGAATGCCCAACCAGTTTTTGAAGGTAGATGTGT[C>T]TCGAATAAGTGAACGCCAAGGCTGGTTGGTGCAGTGTTTGGATCCTCTGCAGTTCATGTC-3'
Protein context (NP_001026.2, residues 1599-1619): MPNQFLKVDV[Ser1609Phe]RISERQGWLV